The following is an entry in ClinVar:

NM_021120.4(DLG3):c.631C>T (p.Arg211Ter)

Gene: DLG3 (discs large MAGUK scaffold protein 3; plus strand). Cytogenetic location: Xq13.1.
Variant type: single nucleotide variant.
Coding change: c.631C>T on transcript NM_021120.4 (MANE Select); coding-DNA position 631, C replaced by T.
Protein change: p.Arg211Ter; replaces arginine 211 with a stop codon.
Molecular consequence: nonsense.
Genome position (GRCh38, 1-based): chrX:70,449,787, C>T. VCF-style: chrX-70449787-C-T. GRCh37 (hg19) VCF-style: chrX-69669637-C-T.
Other names: short protein forms R211*.
Identifiers: ClinVar variation 521892 (VCV000521892.7), dbSNP rs1213060424, ClinGen allele CA413492357.
Genomic context (GRCh38, chrX:70,449,787, plus strand): 5'-GTGTCGGAGGTGGTACACAGCCGGGCGGTGGAGGCGCTGAAGGAGGCAGGCCCTGTGGTG[C>T]GATTGGTGGTGCGGAGGCGACAGCCTCCACCCGAGACCATCATGGAGGTCAACCTGCTCA-3'

ClinVar aggregate classification (germline): Pathogenic. Review status: criteria provided, multiple submitters, no conflicts (2 of 4 stars). 2 submissions from 2 submitters: Pathogenic (2). Last evaluated 2020-09-30.

Conditions:
Inborn genetic diseases. Identifiers: MedGen C0950123, MeSH D030342.
DLG3-related disorder. Also called: DLG3-related condition.

Submissions (2):

GeneDx
Classification: Pathogenic. Last evaluated: 2020-09-30. Review status: criteria provided, single submitter. Criteria: GeneDx Variant Classification Process June 2021. Collection method: clinical testing. Allele origin: germline. Affected: yes.
Comment: Nonsense variant predicted to result in protein truncation or nonsense mediated decay in a gene for which loss-of-function is a known mechanism of disease; Not observed in large population cohorts (Lek et al., 2016); Has not been previously published as pathogenic or benign to our knowledge

Ambry Genetics
Classification: Pathogenic for Inborn genetic diseases. Last evaluated: 2017-06-15. Review status: criteria provided, single submitter. Criteria: Ambry exome assertion method (8-5-2015). Collection method: clinical testing. Allele origin: germline. Affected: yes. Observed: 1 variant allele.